The following is an entry in ClinVar:

ClinVar aggregate classification (germline): Uncertain significance (1 of 4 stars; one submission).

Conditions:
Cardiovascular phenotype. Identifiers: MedGen CN230736.

gnomAD v4.1: 4 of 1,614,182 alleles (0.00025%); highest among the groups gnomAD compares: Non-Finnish European, 0.00034%; no homozygotes.

Submission:

Ambry Genetics
Classification: Uncertain significance for Cardiovascular phenotype. Last evaluated: 2022-11-07. Review status: criteria provided, single submitter. Criteria: Ambry Variant Classification Scheme 2023. Collection method: clinical testing. Allele origin: germline.
Comment: The p.N1772D variant (also known as c.5314A>G), located in coding exon 26 of the APOB gene, results from an A to G substitution at nucleotide position 5314. The asparagine at codon 1772 is replaced by aspartic acid, an amino acid with highly similar properties. This amino acid position is conserved. In addition, this alteration is predicted to be tolerated by in silico analysis. Since supporting evidence is limited at this time, the clinical significance of this alteration remains unclear.

NM_000384.3(APOB):c.5314A>G (p.Asn1772Asp)

Gene: APOB (apolipoprotein B; minus strand). Cytogenetic location: 2p24.1.
Variant type: single nucleotide variant.
Coding change: c.5314A>G on transcript NM_000384.3 (MANE Select); coding-DNA position 5314, A replaced by G.
Protein change: p.Asn1772Asp; replaces asparagine 1772 with aspartic acid.
Molecular consequence: missense variant.
Genome position (GRCh38, 1-based): chr2:21,011,554, T>C on the plus strand (A>G on the coding strand, the complement: APOB is on the minus strand). VCF-style: chr2-21011554-T-C. GRCh37 (hg19) VCF-style: chr2-21234426-T-C.
Other names: short protein forms N1772D.
Identifiers: ClinVar variation 3231425 (VCV003231425.1), dbSNP rs1485883502, ClinGen allele CA346004997.